The following is an entry in ClinVar:

NM_001378418.1(TCF20):c.1889A>T (p.Asp630Val)

Gene: TCF20 (transcription factor 20; minus strand). Cytogenetic location: 22q13.2.
Variant type: single nucleotide variant.
Coding change: c.1889A>T on transcript NM_001378418.1 (MANE Select); coding-DNA position 1889, A replaced by T.
Protein change: p.Asp630Val; replaces aspartic acid 630 with valine.
Molecular consequence: missense variant.
Genome position (GRCh38, 1-based): chr22:42,213,417, T>A on the plus strand (A>T on the coding strand, the complement: TCF20 is on the minus strand). VCF-style: chr22-42213417-T-A. GRCh37 (hg19) VCF-style: chr22-42609423-T-A.
Other names: c.1889A>T, p.Asp630Val (NM_005650.4, NM_181492.3); short protein forms D630V.
Identifiers: ClinVar variation 5041623 (VCV005041623.1).
Genomic context (GRCh38, chr22:42,213,417, plus strand): 5'-GCATGACTGGTTTCCTTTGCCCCACCATTGCTAGGTGGCCTTTGAGTGGCTGCAGGATCA[T>A]CCTCTTGGGAGCCTTTATCTTGTCCACCAGGCTTTTCTACCCGACCTGTCATGGCTTCCC-3'
Protein context (NP_001365347.1, residues 620-640): PGGQDKGSQE[Asp630Val]DPAATQRPPS

ClinVar aggregate classification (germline): Likely benign (1 of 4 stars; one submission).

gnomAD v4.1: 6 of 1,614,176 alleles (0.00037%); highest among the groups gnomAD compares: Admixed American, 0.0017%; no homozygotes.

Submission:

CeGaT Center for Human Genetics Tuebingen
Classification: Likely benign. Last evaluated: 2026-09-01. Review status: criteria provided, single submitter. Criteria: CeGaT Center For Human Genetics Tuebingen Variant Classification Criteria Version 2. Collection method: clinical testing. Allele origin: germline. Affected: yes. Observed: 1 variant allele.
Comment: TCF20: BP4, BS2